The following is an entry in ClinVar:

ClinVar aggregate classification (germline): Benign. Review status: criteria provided, multiple submitters, no conflicts (2 of 4 stars). 2 submissions from 2 submitters: Benign (2). Last evaluated 2018-01-13.

Conditions:
Joubert syndrome 15 (JBTS15). Identifiers: Orphanet 475, MedGen C3280897, MONDO:0013763, OMIM 614464.

Allele frequency attached by ClinVar (database versions not stated): ExAC 0.20622; gnomAD exomes 0.21262 and 0.21322; gnomAD 0.23285 and 0.23508; 1000 Genomes Project 0.23403; TOPMed 0.23642; 1000 Genomes Project 30x 0.23938.
gnomAD v4.1: 99,857 of 453,960 alleles (22%); highest among the groups gnomAD compares: African/African-American, 29%; 11,375 homozygotes.

Submissions (2):

Illumina Laboratory Services, Illumina
Classification: Benign for Joubert syndrome 15. Last evaluated: 2018-01-13. Review status: criteria provided, single submitter. Criteria: ICSL Variant Classification Criteria 13 December 2019. Collection method: clinical testing. Allele origin: germline.
Comment: This variant was observed in the ICSL laboratory as part of a predisposition screen in an ostensibly healthy population. It had not been previously curated by ICSL or reported in the Human Gene Mutation Database (HGMD: prior to June 1st, 2018), and was therefore a candidate for classification through an automated scoring system. Utilizing variant allele frequency, disease prevalence and penetrance estimates, and inheritance mode, an automated score was calculated to assess if this variant is too frequent to cause the disease. Based on the score and internal cut-off values, a variant classified as benign is not then subjected to further curation. The score for this variant resulted in a classification of benign for this disease.

Breakthrough Genomics
Classification: Benign. Review status: criteria provided, single submitter. Criteria: ACMG Guidelines, 2015. Collection method: not provided. Allele origin: germline. Inheritance: Autosomal recessive inheritance. Affected: yes.

NM_018718.3(CEP41):c.*4037A>G

Gene: CEP41 (centrosomal protein 41; minus strand). Cytogenetic location: 7q32.2.
Variant type: single nucleotide variant.
Coding change: c.*4037A>G on transcript NM_018718.3 (MANE Select); 4037 bases downstream of the stop codon, A replaced by G.
Molecular consequence: 3 prime UTR variant. On other transcripts: non-coding transcript variant (1).
Genome position (GRCh38, 1-based): chr7:130,394,854, T>C on the plus strand (A>G on the coding strand, the complement: CEP41 is on the minus strand). VCF-style: chr7-130394854-T-C. GRCh37 (hg19) VCF-style: chr7-130034695-T-C.
Other names: c.*4037A>G (NM_001257158.2, NM_001257159.2).
Identifiers: ClinVar variation 358899 (VCV000358899.6), dbSNP rs7793239, ClinGen allele CA4485148.